The following is an entry in ClinVar:

ClinVar aggregate classification (germline): Likely benign (1 of 4 stars; one submission).

gnomAD v4.1: 4 of 1,614,104 alleles (0.00025%); highest among the groups gnomAD compares: Non-Finnish European, 0.00034%; no homozygotes.

Submission:

Mayo Clinic Laboratories, Mayo Clinic
Classification: Likely benign. Last evaluated: 2025-12-03. Review status: criteria provided, single submitter. Criteria: ACMG Guidelines, 2015. Collection method: clinical testing. Allele origin: germline. Observed: 1 variant allele.
Comment: BP4, BP7

NM_018979.4(WNK1):c.4707T>G (p.Pro1569=)

Gene: WNK1 (WNK lysine deficient protein kinase 1; plus strand). Cytogenetic location: 12p13.33.
Variant type: single nucleotide variant.
Coding change: c.4707T>G on transcript NM_018979.4 (MANE Select); coding-DNA position 4707, T replaced by G.
Protein change: p.Pro1569=; no amino-acid change (proline 1569 retained).
Molecular consequence: synonymous variant.
Genome position (GRCh38, 1-based): chr12:885,511, T>G. VCF-style: chr12-885511-T-G. GRCh37 (hg19) VCF-style: chr12-994677-T-G.
Other names: p.Pro1821=; c.5487T>G, p.Pro1829= (NM_001184985.2); c.3966T>G, p.Pro1322= (NM_014823.3); c.5463T>G, p.Pro1821= (NM_213655.5).
Identifiers: ClinVar variation 4683700 (VCV004683700.1).